The following is an entry in ClinVar:

ClinVar aggregate classification (germline): Pathogenic (0 of 4 stars; one submission).

Conditions:
Pineoblastoma. Identifiers: Orphanet 251909, MedGen C0205898, MONDO:0016722, HP:0030408.

Submission:

Center for Precision Oncology and Cancer Prevention, Roswell Park Comprehensive Cancer Center
Classification: Pathogenic for Pineoblastoma. Last evaluated: 2024-11-22. Review status: no assertion criteria provided. Collection method: clinical testing. Allele origin: germline. Inheritance: Autosomal dominant inheritance. Affected: yes.
Comment: This was characterized with SpliceAI as predicted to disrupt exon 23 of DROSHA.

NM_001382508.1(DROSHA):c.2883-1G>A

Gene: DROSHA (drosha ribonuclease III; minus strand). Cytogenetic location: 5p13.3.
Variant type: single nucleotide variant.
Coding change: c.2883-1G>A on transcript NM_001382508.1 (MANE Select); the canonical splice acceptor site of the intron before coding-DNA position 2883, G replaced by A.
Molecular consequence: splice acceptor variant.
Genome position (GRCh38, 1-based): chr5:31,437,299, C>T on the plus strand (G>A on the coding strand, the complement: DROSHA is on the minus strand). VCF-style: chr5-31437299-C-T. GRCh37 (hg19) VCF-style: chr5-31437406-C-T.
Other names: c.2883-1G>A (NM_013235.5); c.2772-1G>A (NM_001100412.2).
Identifiers: ClinVar variation 3393486 (VCV003393486.1).